The following is an entry in ClinVar:

NM_006361.6(HOXB13):c.800G>T (p.Arg267Leu)

Gene: HOXB13 (homeobox B13; minus strand). Cytogenetic location: 17q21.32.
Variant type: single nucleotide variant.
Coding change: c.800G>T on transcript NM_006361.6 (MANE Select); coding-DNA position 800, G replaced by T.
Protein change: p.Arg267Leu; replaces arginine 267 with leucine.
Molecular consequence: missense variant.
Genome position (GRCh38, 1-based): chr17:48,726,845, C>A on the plus strand (G>T on the coding strand, the complement: HOXB13 is on the minus strand). VCF-style: chr17-48726845-C-A. GRCh37 (hg19) VCF-style: chr17-46804207-C-A.
Other names: short protein forms R267L.
Identifiers: ClinVar variation 827390 (VCV000827390.8), dbSNP rs1403127755, ClinGen allele CA400105583.

ClinVar aggregate classification (germline): Uncertain significance. Review status: criteria provided, multiple submitters, no conflicts (2 of 4 stars). 2 submissions from 2 submitters: Uncertain significance (2). Last evaluated 2023-09-13.

Conditions:
Hereditary cancer-predisposing syndrome. Also called: Neoplastic Syndromes, Hereditary; Tumor predisposition; Hereditary neoplastic syndrome; Hereditary Cancer Syndrome. Identifiers: Orphanet 140162, MedGen C0027672, MeSH D009386, MONDO:0015356.

Allele frequency attached by ClinVar (database versions not stated): TOPMed below 0.00001.

Submissions (2):

Ambry Genetics
Classification: Uncertain significance for Hereditary cancer-predisposing syndrome. Last evaluated: 2023-09-13. Review status: criteria provided, single submitter. Criteria: Ambry Variant Classification Scheme 2023. Collection method: clinical testing. Allele origin: germline.
Comment: The p.R267L variant (also known as c.800G>T), located in coding exon 2 of the HOXB13 gene, results from a G to T substitution at nucleotide position 800. The arginine at codon 267 is replaced by leucine, an amino acid with dissimilar properties. This amino acid position is highly conserved in available vertebrate species. In addition, this alteration is predicted to be deleterious by in silico analysis. Since supporting evidence is limited at this time, the clinical significance of this alteration remains unclear.

Labcorp Genetics (formerly Invitae), Labcorp
Classification: Uncertain significance. Last evaluated: 2023-06-23. Review status: criteria provided, single submitter. Criteria: Invitae Variant Classification Sherloc (09022015). Collection method: clinical testing. Allele origin: germline.
Comment: In summary, the available evidence is currently insufficient to determine the role of this variant in disease. Therefore, it has been classified as a Variant of Uncertain Significance. Advanced modeling of protein sequence and biophysical properties (such as structural, functional, and spatial information, amino acid conservation, physicochemical variation, residue mobility, and thermodynamic stability) performed at Invitae indicates that this missense variant is expected to disrupt HOXB13 protein function. ClinVar contains an entry for this variant (Variation ID: 827390). This variant has not been reported in the literature in individuals affected with HOXB13-related conditions. This variant is not present in population databases (gnomAD no frequency). This sequence change replaces arginine, which is basic and polar, with leucine, which is neutral and non-polar, at codon 267 of the HOXB13 protein (p.Arg267Leu).